The following is an entry in ClinVar:

NM_001159699.2(FHL1):c.737-3del

Gene: FHL1 (four and a half LIM domains 1; plus strand). Cytogenetic location: Xq26.3.
Variant type: Deletion.
Coding change: c.737-3del on transcript NM_001159699.2 (MANE Select); 3 bases into the intron before coding-DNA position 737, one base deleted (C; older notation c.737-3delC).
Molecular consequence: intron variant.
Genome position (GRCh38, 1-based): chrX:136,209,868, C deleted; the last of 6 consecutive C bases (chrX:136,209,863-136,209,868); deleting any one gives the same sequence. VCF-style (leftmost placement, unchanged base first): chrX-136209862-TC-T. GRCh37 (hg19) VCF-style: chrX-135292021-TC-T.
Other names: c.889-3del (NM_001159702.3, NM_001369326.1, NM_001369327.2 and 1 more transcripts); c.689-3del (NM_001449.5, NM_001369329.1, NM_001369330.1 and 5 more transcripts); c.502-3del (NM_001159703.2); c.776-3del (NM_001159701.2); c.550-3del (NM_001330659.2); c.889-3delC (NM_001159702.2, NM_001159702.3).
Identifiers: ClinVar variation 198465 (VCV000198465.26), dbSNP rs368428875, ClinGen allele CA203463.

ClinVar aggregate classification (germline): Benign/Likely benign. Review status: criteria provided, multiple submitters, no conflicts (2 of 4 stars). 11 submissions from 11 submitters: Benign (4); Likely benign (5). 2 of the submissions do not count toward it. Last evaluated 2026-03-12.

Conditions:
Cardiovascular phenotype. Identifiers: MedGen CN230736.
X-linked myopathy with postural muscle atrophy. Also called: FHL1-Related Emery-Dreifuss Muscular Dystrophy, X-Linked. Identifiers: Orphanet 178461, MedGen C2678055, MONDO:0010401, OMIM 300696.

Submissions (11):

Women's Health and Genetics/Laboratory Corporation of America, LabCorp
Classification: Benign. Last evaluated: 2026-03-12. Review status: criteria provided, single submitter. Criteria: LabCorp Variant Classification Summary - May 2015. Collection method: clinical testing. Allele origin: germline.
Comment: Variant summary: FHL1 c.889-3delC alters a conserved nucleotide located close to a canonical splice site and therefore could affect mRNA splicing, leading to a significantly altered protein sequence. Consensus agreement among computation tools predict no significant impact on normal splicing. However, these predictions have yet to be confirmed by functional studies. The variant allele was found at a frequency of 0.0013 in 168269 control chromosomes, predominantly at a frequency of 0.0048 within the African or African-American subpopulation in the gnomAD database, including 1 homozygotes. The observed variant frequency within African or African-American control individuals in the gnomAD database exceeds the estimated maximal expected allele frequency for disease-causing variants in FHL1. To our knowledge, no occurrence of c.889-3delC in individuals affected with FHL1-related conditions and no experimental evidence demonstrating its impact on protein function have been reported. ClinVar contains an entry for this variant (Variation ID: 198465). Based on the evidence outlined above, the variant was classified as benign.

Labcorp Genetics (formerly Invitae), Labcorp
Classification: Benign for X-linked myopathy with postural muscle atrophy. Last evaluated: 2026-02-03. Review status: criteria provided, single submitter. Criteria: Invitae Variant Classification Sherloc (09022015). Collection method: clinical testing. Allele origin: germline.

Blueprint Genetics
Classification: Likely benign. Last evaluated: 2024-11-19. Review status: criteria provided, single submitter. Criteria: ACMG Guidelines, 2015. Collection method: clinical testing. Allele origin: germline.

ARUP Laboratories, Molecular Genetics and Genomics, ARUP Laboratories
Classification: Likely benign. Last evaluated: 2024-10-17. Review status: criteria provided, single submitter. Criteria: ARUP Molecular Germline Variant Investigation Process 2024. Collection method: clinical testing. Allele origin: germline.

Athena Diagnostics
Classification: Benign. Last evaluated: 2020-07-13. Review status: criteria provided, single submitter. Criteria: Athena Diagnostics Criteria. Collection method: clinical testing. Allele origin: unknown.

Ambry Genetics
Classification: Likely benign for Cardiovascular phenotype. Last evaluated: 2019-01-28. Review status: criteria provided, single submitter. Criteria: Ambry Variant Classification Scheme 2023. Collection method: clinical testing. Allele origin: germline.

GeneDx
Classification: Benign. Last evaluated: 2016-10-25. Review status: criteria provided, single submitter. Criteria: GeneDx Variant Classification Process June 2021. Collection method: clinical testing. Allele origin: germline. Affected: yes.

Eurofins Ntd Llc (ga)
Classification: Likely benign. Last evaluated: 2014-11-07. Review status: criteria provided, single submitter. Criteria: EGL Classification Definitions 2015. Collection method: clinical testing. Allele origin: germline. Observed: 35 variant alleles, 22 heterozygotes, 1 homozygote, 6 hemizygotes.

PreventionGenetics, part of Exact Sciences
Classification: Likely benign. Review status: criteria provided, single submitter. Criteria: ACMG Guidelines, 2015. Collection method: clinical testing. Allele origin: germline.

Genome Diagnostics Laboratory, University Medical Center Utrecht
Classification: Likely benign. Review status: no assertion criteria provided. Collection method: clinical testing. Allele origin: germline. Affected: yes. Study: VKGL Data-share Consensus. Not counted in ClinVar's aggregate classification.

Joint Genome Diagnostic Labs from Nijmegen and Maastricht, Radboudumc and MUMC+
Classification: Benign. Review status: no assertion criteria provided. Collection method: clinical testing. Allele origin: germline. Affected: yes. Study: VKGL Data-share Consensus. Not counted in ClinVar's aggregate classification.